The following is an entry in ClinVar:

NM_001367561.1(DOCK7):c.3058G>A (p.Val1020Met)

Gene: DOCK7 (dedicator of cytokinesis 7; minus strand). Cytogenetic location: 1p31.3.
Variant type: single nucleotide variant.
Coding change: c.3058G>A on transcript NM_001367561.1 (MANE Select); coding-DNA position 3058, G replaced by A.
Protein change: p.Val1020Met; replaces valine 1020 with methionine.
Molecular consequence: missense variant.
Genome position (GRCh38, 1-based): chr1:62,539,880, C>T on the plus strand (G>A on the coding strand, the complement: DOCK7 is on the minus strand). VCF-style: chr1-62539880-C-T. GRCh37 (hg19) VCF-style: chr1-63005551-C-T.
Other names: c.3058G>A, p.Val1020Met (NM_001271999.2, NM_001330614.2); c.2965G>A, p.Val989Met (NM_001272000.2, NM_001272001.2, NM_033407.4); short protein forms V989M, V1020M.
Identifiers: ClinVar variation 541918 (VCV000541918.7), dbSNP rs1022182913, ClinGen allele CA23741477.

ClinVar aggregate classification (germline): Uncertain significance (1 of 4 stars; one submission).

Conditions:
Developmental and epileptic encephalopathy, 23 (DEE23). Also called: Epileptic encephalopathy, early infantile, 23. Identifiers: Orphanet 411986, MedGen C4014492, MONDO:0014371, OMIM 615859.

Allele frequency attached by ClinVar (database versions not stated): gnomAD exomes below 0.00001.
gnomAD v4.1: 3 of 1,598,668 alleles (0.00019%); highest among the groups gnomAD compares: Admixed American, 0.0018%; no homozygotes.

Submission:

Labcorp Genetics (formerly Invitae), Labcorp
Classification: Uncertain significance for Developmental and epileptic encephalopathy, 23. Last evaluated: 2023-07-07. Review status: criteria provided, single submitter. Criteria: Invitae Variant Classification Sherloc (09022015). Collection method: clinical testing. Allele origin: germline.
Comment: The frequency data for this variant in the population databases is considered unreliable, as metrics indicate poor data quality at this position in the gnomAD database. This sequence change replaces valine, which is neutral and non-polar, with methionine, which is neutral and non-polar, at codon 1020 of the DOCK7 protein (p.Val1020Met). This variant has not been reported in the literature in individuals affected with DOCK7-related conditions. ClinVar contains an entry for this variant (Variation ID: 541918). Advanced modeling of protein sequence and biophysical properties (such as structural, functional, and spatial information, amino acid conservation, physicochemical variation, residue mobility, and thermodynamic stability) performed at Invitae indicates that this missense variant is not expected to disrupt DOCK7 protein function. In summary, the available evidence is currently insufficient to determine the role of this variant in disease. Therefore, it has been classified as a Variant of Uncertain Significance.